The following is an entry in ClinVar:

NM_000277.3(PAH):c.782G>A (p.Arg261Gln)

Gene: PAH (phenylalanine hydroxylase; minus strand). Cytogenetic location: 12q23.2.
Variant type: single nucleotide variant.
Coding change: c.782G>A on transcript NM_000277.3 (MANE Select); coding-DNA position 782, G replaced by A.
Protein change: p.Arg261Gln; replaces arginine 261 with glutamine.
Molecular consequence: missense variant.
Genome position (GRCh38, 1-based): chr12:102,852,875, C>T on the plus strand (G>A on the coding strand, the complement: PAH is on the minus strand). VCF-style: chr12-102852875-C-T. GRCh37 (hg19) VCF-style: chr12-103246653-C-T.
Other names: p.R261Q:CGA>CAA; NM_000277.1(PAH):c.782G>A; c.782G>A (NM_000277.2); c.782G>A, p.Arg261Gln (NM_001354304.2); short protein forms R261Q.
Identifiers: ClinVar variation 582 (VCV000000582.172), dbSNP rs5030849, ClinGen allele CA251528.
Genomic context (GRCh38, chr12:102,852,875, plus strand): 5'-GGTTCGGGGGTATACATGGGCTTGGATCCATGTCTGATGTACTGTGTGCAGTGGAAGACT[C>T]GGAAGGCCAGGCCACCCAAGAAATCCCGAGAGGAAAGCAGGCCAGCCACAGGTCGGAGGC-3'
Protein context (NP_000268.1, residues 251-271): SRDFLGGLAF[Arg261Gln]VFHCTQYIRH

ClinVar aggregate classification (germline): Pathogenic. Review status: reviewed by expert panel (3 of 4 stars). 39 submissions from 39 submitters: Pathogenic (1). 38 of the submissions do not count toward it. Last evaluated 2018-08-13.

Conditions:
PAH-related disorder. Also called: PAH-related condition.
Phenylketonuria (PKU). Also called: FOLLING DISEASE; OLIGOPHRENIA PHENYLPYRUVICA; Phenylketonurias; Phenylketonuria (PKU). Identifiers: Orphanet 716, MedGen C0031485, MONDO:0009861, OMIM 261600. Disease mechanism: loss of function.

Allele frequency attached by ClinVar (database versions not stated): 1000 Genomes Project 30x 0.00031; 1000 Genomes Project 0.00020; gnomAD 0.00022 and 0.00015; gnomAD exomes 0.00022; ExAC 0.00027; TOPMed 0.00041.
gnomAD v4.1: 373 of 1,614,000 alleles (0.023%); highest among the groups gnomAD compares: Non-Finnish European, 0.027%; no homozygotes.

Submissions 1 to 10 of 39:

ClinGen PAH Variant Curation Expert Panel
Classification: Pathogenic for Phenylketonuria. Last evaluated: 2018-08-13. Review status: reviewed by expert panel. Criteria: ClinGen PAH ACMG Specifications v1. Collection method: curation. Allele origin: germline. Inheritance: Autosomal recessive inheritance.
Comment: PAH-specific ACMG/AMP criteria applied: PP3: tools predict damaging; PS3: 15.5-30% activity (PMID:2014036; PMID:25596310); PM3_VeryStrong: L48S, R408W, S349P, R243X (PMID:25596310; PMID:17935162); PP4_Moderate: (PMID:25596310). In summary this variant meets criteria to be classified as pathogenic for phenylketonuria in an autosomal recessive manner based on the ACMG/AMP criteria applied as specified by the PAH Expert Panel: (PP3, PS3, PM3_VeryStrong, PP4_Moderate).

CeGaT Center for Human Genetics Tuebingen
Classification: Pathogenic. Last evaluated: 2026-09-01. Review status: criteria provided, single submitter. Criteria: CeGaT Center For Human Genetics Tuebingen Variant Classification Criteria Version 2. Collection method: clinical testing. Allele origin: germline. Affected: yes. Observed: 15 variant alleles. Not counted in ClinVar's aggregate classification.
Comment: PAH: PM3:Very Strong, PS3, PM2, PP4:Moderate, PP3

PreventionGenetics, part of Exact Sciences
Classification: Pathogenic for PAH-related condition. Last evaluated: 2026-08-06. Review status: criteria provided, single submitter. Criteria: ACMG Guidelines, 2015. Collection method: clinical testing. Allele origin: germline. Not counted in ClinVar's aggregate classification.
Comment: The PAH c.782G>A variant is predicted to result in the amino acid substitution p.Arg261Gln. This variant is a common recurrent variant reported to be causative for phenylalanine hydroxylase deficiency (for example, see Bénit et al. 1999. PubMed ID: 10479481; Shi et al. 2012. PubMed ID: 21953985; Couce et al. 2013. PubMed ID: 23500595; Tables S2 and S3, Hillert et al. 2020. PubMed ID: 32668217). In functional studies, the p.Arg261Gln substitution has been reported to reduce PAH enzyme activity to ~10-40% of control (e.g., Zurflüh et al. 2008. PubMed ID: 17935162; Danecka et al. 2015. PubMed ID: 25596310). The p.Arg261Gln substitution has been reported to result in a mutant PAH protein that is responsive to tetrahydrobiopterin (BH4) (Zurflüh et al. 2008. PubMed ID: 17935162). This variant is classified as pathogenic by the ClinGen PAH Variant Curation Expert Panel and multiple other outside laboratories (Variation ID: 582). Based on these observations, we also classify the c.782G>A (p.Arg261Gln) variant as pathogenic.

Institute of Human Genetics, University of Leipzig Medical Center
Classification: Pathogenic for Phenylketonuria. Last evaluated: 2026-06-10. Review status: criteria provided, single submitter. Criteria: ACMG Guidelines, 2015. Collection method: clinical testing. Allele origin: paternal. Inheritance: Autosomal recessive inheritance. Affected: yes. Not counted in ClinVar's aggregate classification.
Comment: Criteria applied: PM3_VSTR,PS3,PP4_MOD,PP3; Identified as compund heterozygous with NM_000277.3:c.1241A>G

Dasa
Classification: Pathogenic. Last evaluated: 2026-03-31. Review status: criteria provided, single submitter. Criteria: DASA Assertion Criteria. Collection method: clinical testing. Allele origin: germline. Not counted in ClinVar's aggregate classification.
Comment: NM_000277.3(PAH):c.782G>A (p.Arg261Gln) is a missense variant that results in the substitution of arginine with glutamine. Functional evidence supports a deleterious effect on the gene or gene product (PMID: 2014036; PMID: 25596310; PMID: 27121329; PMID: 26666653; PMID: 21527427). This variant has been recurrently observed in individuals with related phenotype (PMID: 2014036; PMID: 25596310; PMID: 27121329; PMID: 26666653; PMID: 21527427). Multiple computational predictions support a deleterious effect on the gene or gene product. The variant is present at low frequency in population datasets. Based on the available data, this variant is classified as pathogenic.

Department of Molecular Genetics, Istishari Arab Hospital
Classification: Pathogenic for Phenylketonuria. Last evaluated: 2026-03-11. Review status: criteria provided, single submitter. Criteria: ACMG Guidelines, 2015. Collection method: clinical testing. Allele origin: germline. Inheritance: Autosomal recessive inheritance. Affected: yes. Not counted in ClinVar's aggregate classification.
Comment: The PAH variant c.782G>A p.(Arg261Gln) causes an amino acid change from Arg to Gln at position 261. According to HGMD Professional 2022.1, this variant has previously been described as disease-causing for Phenylketonuria by Abadie et al., 1989 (PMID: 2574153), Tyfield et al., 1991 (PMID: 1677425), Okano et al., 1991 (PMID: 2014036). It is classified as pathogenic according to the recommendations of ACMG/AMP/ClinGen SVI guidelines.

Labcorp Genetics (formerly Invitae), Labcorp
Classification: Pathogenic for Phenylketonuria. Last evaluated: 2026-01-18. Review status: criteria provided, single submitter. Criteria: Invitae Variant Classification Sherloc (09022015). Collection method: clinical testing. Allele origin: germline. Not counted in ClinVar's aggregate classification.
Comment: This sequence change replaces arginine, which is basic and polar, with glutamine, which is neutral and polar, at codon 261 of the PAH protein (p.Arg261Gln). This variant is present in population databases (rs5030849, gnomAD 0.04%). This missense change has been observed in individual(s) with PKU (PMID: 2574153, 16765994). ClinVar contains an entry for this variant (Variation ID: 582). Invitae Evidence Modeling of protein sequence and biophysical properties (such as structural, functional, and spatial information, amino acid conservation, physicochemical variation, residue mobility, and thermodynamic stability) indicates that this missense variant is expected to disrupt PAH protein function with a positive predictive value of 80%. Experimental studies have shown that this missense change affects PAH function (PMID: 10479481, 17935162, 25596310). For these reasons, this variant has been classified as Pathogenic.

3billion
Classification: Pathogenic for Phenylketonuria. Last evaluated: 2025-12-08. Review status: criteria provided, single submitter. Criteria: ACMG Guidelines, 2015. Collection method: clinical testing. Allele origin: germline. Affected: yes. Not counted in ClinVar's aggregate classification.
Comment: The variant is observed at an extremely low frequency in the gnomAD v4.1.0 dataset (total allele frequency: 0.023%). Predicted Consequence/Location: Missense variant Functional studies provide strong evidence of the variant having a damaging effect on the gene or gene product (PMID: 2014036, 25596310). In silico tool predictions suggest damaging effect of the variant on gene or gene product [REVEL: 0.98 (>=0.6, sensitivity 0.68 and specificity 0.92); 3Cnet: 0.99 (> 0.75, sensitivity 0.96 and precision 0.92)]. The same nucleotide change resulting in the same amino acid change has been previously reported as pathogenic/likely pathogenic with strong evidence (ClinVar ID: VCV000000582 /PMID: 2574153 /3billion dataset). The variant has been reported to be in trans with a pathogenic variant as either compound heterozygous or homozygous in at least 4 similarly affected unrelated individuals (PMID: 17935162, 25596310, 26481238). Different missense changes at the same codon (p.Arg261Gly, p.Arg261Leu, p.Arg261Pro) have been reported as pathogenic/likely pathogenic with strong evidence (ClinVar ID: VCV000102832, VCV000585208 /PMID: 26666653, 7556322). Therefore, this variant is classified as Pathogenic according to the recommendation of ACMG/AMP guideline.

Natera, Inc.
Classification: Pathogenic for Phenylketonuria. Last evaluated: 2025-11-25. Review status: criteria provided, single submitter. Criteria: Natera Variant Classification Schema (03/2026). Collection method: clinical testing. Allele origin: germline. Not counted in ClinVar's aggregate classification.
Comment: The c.782G>A variant in PAH is a missense variant predicted to cause substitution of arginine to glutamine at amino acid 261. This variant is rare in the general population with a frequency below the threshold expected for the associated phenotype(s). This variant has been observed in one or more individuals affected with the associated recessive disease, as either homozygous or compound heterozygous with a second variant (PMID: 30159852). This variant is located in a functionally critical region of the protein. A different variant at the same position has been determined to be Pathogenic or Likely Pathogenic. Computational prediction algorithms indicate this variant is likely to affect gene or protein function. Given the available evidence, this variant is classified as Pathogenic.

Revvity Omics, Revvity
Classification: Pathogenic for Phenylketonuria. Last evaluated: 2025-07-23. Review status: criteria provided, single submitter. Criteria: ACMG Guidelines, 2015. Collection method: clinical testing. Allele origin: germline. Not counted in ClinVar's aggregate classification.